The following is an entry in ClinVar:

NM_000320.3(QDPR):c.*690A>G

Gene: QDPR (quinoid dihydropteridine reductase; minus strand). Cytogenetic location: 4p15.32.
Variant type: single nucleotide variant.
Coding change: c.*690A>G on transcript NM_000320.3 (MANE Select); 690 bases downstream of the stop codon, A replaced by G.
Molecular consequence: 3 prime UTR variant. On other transcripts: non-coding transcript variant (1).
Genome position (GRCh38, 1-based): chr4:17,486,441, T>C on the plus strand (A>G on the coding strand, the complement: QDPR is on the minus strand). VCF-style: chr4-17486441-T-C. GRCh37 (hg19) VCF-style: chr4-17488064-T-C.
Other names: c.*690A>G (NM_001306140.2).
Identifiers: ClinVar variation 348137 (VCV000348137.6), dbSNP rs1031326, ClinGen allele CA10620521.

ClinVar aggregate classification (germline): Benign. Review status: criteria provided, multiple submitters, no conflicts (2 of 4 stars). 2 submissions from 2 submitters: Benign (2). Last evaluated 2018-01-12.

Conditions:
Dihydropteridine reductase deficiency (HPABH4C). Also called: HYPERPHENYLALANINEMIA, TETRAHYDROBIOPTERIN-DEFICIENT, DUE TO DHPR DEFICIENCY; BH4-Deficient Hyperphenylalaninemia C; Hyperphenylalaninemia due to dihydropteridine reductase deficiency; Hyperphenylalaninemia, BH-4-deficient, C; Phenylketonuria type 2; DHPR DEFICIENCY. Identifiers: Orphanet 226, Orphanet 238583, MedGen C0268465, MONDO:0009862, OMIM 261630.

Allele frequency attached by ClinVar (database versions not stated): 1000 Genomes Project 30x 0.61587; TOPMed 0.59934; gnomAD 0.61502 and 0.61178; 1000 Genomes Project 0.62600; gnomAD exomes 0.47087.
gnomAD v4.1: 93,424 of 151,888 alleles (62%); highest among the groups gnomAD compares: East Asian, 71%; 28,929 homozygotes.

Submissions (2):

Illumina Laboratory Services, Illumina
Classification: Benign for Dihydropteridine reductase deficiency. Last evaluated: 2018-01-12. Review status: criteria provided, single submitter. Criteria: ICSL Variant Classification Criteria 13 December 2019. Collection method: clinical testing. Allele origin: germline.
Comment: This variant was observed in the ICSL laboratory as part of a predisposition screen in an ostensibly healthy population. It had not been previously curated by ICSL or reported in the Human Gene Mutation Database (HGMD: prior to June 1st, 2018), and was therefore a candidate for classification through an automated scoring system. Utilizing variant allele frequency, disease prevalence and penetrance estimates, and inheritance mode, an automated score was calculated to assess if this variant is too frequent to cause the disease. Based on the score and internal cut-off values, a variant classified as benign is not then subjected to further curation. The score for this variant resulted in a classification of benign for this disease.

Breakthrough Genomics
Classification: Benign. Review status: criteria provided, single submitter. Criteria: ACMG Guidelines, 2015. Collection method: not provided. Allele origin: germline. Inheritance: Autosomal recessive inheritance. Affected: yes.